The following is an entry in ClinVar:

ClinVar aggregate classification (germline): Uncertain significance. Review status: criteria provided, multiple submitters, no conflicts (2 of 4 stars). 3 submissions from 3 submitters: Uncertain significance (3). Last evaluated 2025-08-14.

Conditions:
Inborn genetic diseases. Identifiers: MedGen C0950123, MeSH D030342.

Allele frequency attached by ClinVar (database versions not stated): TOPMed 0.00003; gnomAD 0.00005 and 0.00004; 1000 Genomes Project 30x 0.00016; ExAC 0.00003; 1000 Genomes Project 0.00020; gnomAD exomes 0.00002; ESP Exome Variant Server 0.00008.
gnomAD v4.1: 33 of 1,612,602 alleles (0.002%); highest among the groups gnomAD compares: East Asian, 0.011%; no homozygotes.

Submissions (3):

Ambry Genetics
Classification: Uncertain significance for Inborn genetic diseases. Last evaluated: 2025-08-14. Review status: criteria provided, single submitter. Criteria: Ambry Variant Classification Scheme 2023. Collection method: clinical testing. Allele origin: germline.

Labcorp Genetics (formerly Invitae), Labcorp
Classification: Uncertain significance. Last evaluated: 2023-07-07. Review status: criteria provided, single submitter. Criteria: Invitae Variant Classification Sherloc (09022015). Collection method: clinical testing. Allele origin: germline.
Comment: An algorithm developed to predict the effect of missense changes on protein structure and function (PolyPhen-2) suggests that this variant¬†is likely to be tolerated. In summary, the available evidence is currently insufficient to determine the role of this variant in disease. Therefore, it has been classified as a Variant of Uncertain Significance. ClinVar contains an entry for this variant (Variation ID: 1365096). This sequence change replaces proline, which is neutral and non-polar, with leucine, which is neutral and non-polar, at codon 1282 of the MPDZ protein (p.Pro1282Leu). This variant is present in population databases (rs201944421, gnomAD 0.02%). This variant has not been reported in the literature in individuals affected with MPDZ-related conditions.

GeneDx
Classification: Uncertain significance. Last evaluated: 2023-06-09. Review status: criteria provided, single submitter. Criteria: GeneDx Variant Classification Process June 2021. Collection method: clinical testing. Allele origin: germline.
Comment: In silico analysis supports that this missense variant does not alter protein structure/function; Has not been previously published as pathogenic or benign to our knowledge

NM_001378778.1(MPDZ):c.3845C>T (p.Pro1282Leu)

Gene: MPDZ (multiple PDZ domain crumbs cell polarity complex component; minus strand). Cytogenetic location: 9p23.
Variant type: single nucleotide variant.
Coding change: c.3845C>T on transcript NM_001378778.1 (MANE Select); coding-DNA position 3845, C replaced by T.
Protein change: p.Pro1282Leu; replaces proline 1282 with leucine.
Molecular consequence: missense variant.
Genome position (GRCh38, 1-based): chr9:13,140,145, G>A on the plus strand (C>T on the coding strand, the complement: MPDZ is on the minus strand). VCF-style: chr9-13140145-G-A. GRCh37 (hg19) VCF-style: chr9-13140144-G-A.
Other names: c.3746C>T, p.Pro1249Leu (NM_001261406.2, NM_001261407.2, NM_001375416.1 and 3 more transcripts); c.3845C>T, p.Pro1282Leu (NM_001330637.2, NM_001375413.1, NM_003829.5); c.3635C>T, p.Pro1212Leu (NM_001375420.1, NM_001375421.1, NM_001375422.1 and 4 more transcripts); c.3437C>T, p.Pro1146Leu (NM_001375427.1); c.3845C>T (NM_003829.3); short protein forms P1212L, P1282L, P1146L, P1249L.
Identifiers: ClinVar variation 1365096 (VCV001365096.11), dbSNP rs201944421, ClinGen allele CA4986930.